The following is an entry in ClinVar:

ClinVar aggregate classification (germline): Pathogenic (1 of 4 stars; one submission).

Conditions:
Hereditary cancer-predisposing syndrome. Also called: Neoplastic Syndromes, Hereditary; Tumor predisposition; Hereditary Cancer Syndrome; Hereditary neoplastic syndrome. Identifiers: Orphanet 140162, MedGen C0027672, MeSH D009386, MONDO:0015356.
Cardiovascular phenotype. Identifiers: MedGen CN230736.

Submission:

Ambry Genetics
Classification: Pathogenic for Cardiovascular phenotype; Hereditary cancer-predisposing syndrome. Last evaluated: 2022-05-24. Review status: criteria provided, single submitter. Criteria: Ambry Variant Classification Scheme 2023. Collection method: clinical testing. Allele origin: germline.
Comment: The c.3662delT pathogenic mutation, located in coding exon 27 of the NF1 gene, results from a deletion of one nucleotide at nucleotide position 3662, causing a translational frameshift with a predicted alternate stop codon (p.L1221Pfs*3). This alteration is expected to result in loss of function by premature protein truncation or nonsense-mediated mRNA decay. As such, this alteration is interpreted as a disease-causing mutation.

NM_001042492.3(NF1):c.3662del (p.Leu1221fs)

Gene: NF1 (neurofibromin 1; plus strand). Cytogenetic location: 17q11.2.
Variant type: Deletion.
Coding change: c.3662del on transcript NM_001042492.3 (MANE Select); coding-DNA position 3662, one base deleted (T; older notation c.3662delT).
Protein change: p.Leu1221fs; shifts the reading frame from leucine 1221.
Molecular consequence: frameshift variant.
Genome position (GRCh38, 1-based): chr17:31,233,167, T deleted. VCF-style (leftmost placement, unchanged base first): chr17-31233166-CT-C. GRCh37 (hg19) VCF-style: chr17-29560184-CT-C.
Other names: c.3662delT (NM_000267.3); c.3662delT, p.Leu1221Profs (NM_000267.4); short protein forms L1221fs.
Identifiers: ClinVar variation 1733703 (VCV001733703.2), dbSNP rs2508240527, ClinGen allele CA2580093090.